The following is an entry in ClinVar:

ClinVar aggregate classification (germline): Likely benign. Review status: criteria provided, multiple submitters, no conflicts (2 of 4 stars). 3 submissions from 3 submitters: Likely benign (3). Last evaluated 2025-06-22.

Conditions:
Muscular dystrophy-dystroglycanopathy type B6 (MDDGB6). Also called: MUSCULAR DYSTROPHY, CONGENITAL, LARGE-RELATED; MUSCULAR DYSTROPHY, CONGENITAL, TYPE 1D; MUSCULAR DYSTROPHY-DYSTROGLYCANOPATHY (CONGENITAL WITH IMPAIRED INTELLECTUAL DEVELOPMENT), TYPE B, 6. Identifiers: MedGen C1837229, MONDO:0012138, OMIM 608840.

Allele frequency attached by ClinVar (database versions not stated): gnomAD exomes below 0.00001 and 0.00002; ExAC 0.00004; gnomAD 0.00004; TOPMed 0.00005; ESP Exome Variant Server 0.00008.
gnomAD v4.1: 17 of 1,613,856 alleles (0.0011%); highest among the groups gnomAD compares: African/African-American, 0.016%; no homozygotes.

Submissions (3):

Labcorp Genetics (formerly Invitae), Labcorp
Classification: Likely benign for Muscular dystrophy-dystroglycanopathy type B6. Last evaluated: 2025-06-22. Review status: criteria provided, single submitter. Criteria: Invitae Variant Classification Sherloc (09022015). Collection method: clinical testing. Allele origin: germline.

Blueprint Genetics
Classification: Likely benign. Last evaluated: 2023-06-20. Review status: criteria provided, single submitter. Criteria: ACMG Guidelines, 2015. Collection method: clinical testing. Allele origin: germline.

GeneDx
Classification: Likely benign. Last evaluated: 2017-11-21. Review status: criteria provided, single submitter. Criteria: GeneDx Variant Classification (06012015). Collection method: clinical testing. Allele origin: germline. Affected: yes.
Comment: This variant is considered likely benign or benign based on one or more of the following criteria: it is a conservative change, it occurs at a poorly conserved position in the protein, it is predicted to be benign by multiple in silico algorithms, and/or has population frequency not consistent with disease.

NM_133642.5(LARGE1):c.81T>A (p.Ile27=)

Gene: LARGE1 (LARGE xylosyl- and glucuronyltransferase 1; minus strand). Cytogenetic location: 22q12.3.
Variant type: single nucleotide variant.
Coding change: c.81T>A on transcript NM_133642.5 (MANE Select); coding-DNA position 81, T replaced by A.
Protein change: p.Ile27=; no amino-acid change (isoleucine 27 retained).
Molecular consequence: synonymous variant.
Genome position (GRCh38, 1-based): chr22:33,761,396, A>T on the plus strand (T>A on the coding strand, the complement: LARGE1 is on the minus strand). VCF-style: chr22-33761396-A-T. GRCh37 (hg19) VCF-style: chr22-34157383-A-T.
Other names: c.81T>A, p.Ile27= (NM_001362949.2, NM_001362951.2, NM_001362953.2 and 7 more transcripts).
Identifiers: ClinVar variation 513412 (VCV000513412.13), dbSNP rs145861048, ClinGen allele CA10203172.